The following is an entry in ClinVar:

ClinVar aggregate classification (germline): Uncertain significance. Review status: criteria provided, multiple submitters, no conflicts (2 of 4 stars). 2 submissions from 2 submitters: Uncertain significance (2). Last evaluated 2024-06-04.

Submissions (2):

Blueprint Genetics
Classification: Uncertain significance. Last evaluated: 2024-06-04. Review status: criteria provided, single submitter. Criteria: ACMG Guidelines, 2015. Collection method: clinical testing. Allele origin: germline.

Ambry Genetics
Classification: Uncertain significance. Last evaluated: 2023-07-26. Review status: criteria provided, single submitter. Criteria: Ambry Variant Classification Scheme 2023. Collection method: clinical testing. Allele origin: germline.
Comment: The p.S1364Y variant (also known as c.4091C>A), located in coding exon 37 of the KIF1B gene, results from a C to A substitution at nucleotide position 4091. The serine at codon 1364 is replaced by tyrosine, an amino acid with dissimilar properties. This amino acid position is conserved. In addition, this alteration is predicted to be deleterious by in silico analysis. Since supporting evidence is limited at this time, the clinical significance of this alteration remains unclear.

NM_001365951.3(KIF1B):c.4229C>A (p.Ser1410Tyr)

Gene: KIF1B (kinesin family member 1B; plus strand). Cytogenetic location: 1p36.22.
Variant type: single nucleotide variant.
Coding change: c.4229C>A on transcript NM_001365951.3 (MANE Select); coding-DNA position 4229, C replaced by A.
Protein change: p.Ser1410Tyr; replaces serine 1410 with tyrosine.
Molecular consequence: missense variant.
Genome position (GRCh38, 1-based): chr1:10,361,750, C>A. VCF-style: chr1-10361750-C-A. GRCh37 (hg19) VCF-style: chr1-10421808-C-A.
Other names: c.4229C>A, p.Ser1410Tyr (NM_001365952.1); c.4091C>A, p.Ser1364Tyr (NM_015074.3); short protein forms S1410Y, S1364Y.
Identifiers: ClinVar variation 2625714 (VCV002625714.3), dbSNP rs2521885958, ClinGen allele CA338317468.